The following is an entry in ClinVar:

ClinVar aggregate classification (germline): Uncertain significance (1 of 4 stars; one submission).

gnomAD v4.1: 5 of 1,614,122 alleles (0.00031%); highest among the groups gnomAD compares: South Asian, 0.0011%; no homozygotes.

Submission:

OLLIN Analises Genomicas, OLLIN
Classification: Uncertain significance. Last evaluated: 2026-08-06. Review status: criteria provided, single submitter. Criteria: ACMG Guidelines 2015 PMID 25741868. Collection method: clinical testing. Allele origin: germline.
Comment: This missense variant, located in exon 19 (of 21), has been observed in gnomAD with an allele frequency of 0.00031%, but has not been reported in ClinVar or identified in the literature. In silico analysis predicts that this variant has a tolerated effect. According to the currently available evidence, this variant has been classified as uncertain significance (PM2_P, BP4_M).

NM_001129.5(AEBP1):c.2651G>A (p.Ser884Asn)

Gene: AEBP1 (AE binding protein 1; plus strand). Cytogenetic location: 7p13.
Variant type: single nucleotide variant.
Coding change: c.2651G>A on transcript NM_001129.5 (MANE Select); coding-DNA position 2651, G replaced by A.
Protein change: p.Ser884Asn; replaces serine 884 with asparagine.
Molecular consequence: missense variant.
Genome position (GRCh38, 1-based): chr7:44,113,072, G>A. VCF-style: chr7-44113072-G-A. GRCh37 (hg19) VCF-style: chr7-44152671-G-A.
Other names: short protein forms S884N.
Identifiers: ClinVar variation 5002857 (VCV005002857.1).